The following is an entry in ClinVar:

ClinVar aggregate classification (germline): Uncertain significance (1 of 4 stars; one submission).

Conditions:
Nephronophthisis 18 (NPHP18). Identifiers: Orphanet 655, MedGen C3890591, MONDO:0014374, OMIM 615862.

Allele frequency attached by ClinVar (database versions not stated): gnomAD exomes below 0.00001; ExAC 0.00001; gnomAD 0.00001; TOPMed 0.00003.

Submission:

Labcorp Genetics (formerly Invitae), Labcorp
Classification: Uncertain significance for Nephronophthisis 18. Last evaluated: 2022-08-31. Review status: criteria provided, single submitter. Criteria: Invitae Variant Classification Sherloc (09022015). Collection method: clinical testing. Allele origin: germline.
Comment: This sequence change replaces arginine, which is basic and polar, with serine, which is neutral and polar, at codon 681 of the CEP83 protein (p.Arg681Ser). This variant is present in population databases (rs773705721, gnomAD 0.007%). This variant has not been reported in the literature in individuals affected with CEP83-related conditions. ClinVar contains an entry for this variant (Variation ID: 1355369). Algorithms developed to predict the effect of missense changes on protein structure and function are either unavailable or do not agree on the potential impact of this missense change (SIFT: "Not Available"; PolyPhen-2: "Probably Damaging"; Align-GVGD: "Not Available"). In summary, the available evidence is currently insufficient to determine the role of this variant in disease. Therefore, it has been classified as a Variant of Uncertain Significance.

NM_016122.3(CEP83):c.2043A>T (p.Arg681Ser)

Gene: CEP83 (centrosomal protein 83; minus strand). Cytogenetic location: 12q22.
Variant type: single nucleotide variant.
Coding change: c.2043A>T on transcript NM_016122.3 (MANE Select); coding-DNA position 2043, A replaced by T.
Protein change: p.Arg681Ser; replaces arginine 681 with serine.
Molecular consequence: missense variant. On other transcripts: non-coding transcript variant (2).
Genome position (GRCh38, 1-based): chr12:94,308,876, T>A on the plus strand (A>T on the coding strand, the complement: CEP83 is on the minus strand). VCF-style: chr12-94308876-T-A. GRCh37 (hg19) VCF-style: chr12-94702652-T-A.
Other names: c.2043A>T, p.Arg681Ser (NM_001042399.2, NM_001346457.2, NM_001368037.1 and 1 more transcripts); c.1731A>T, p.Arg577Ser (NM_001346458.2, NM_001346459.2, NM_001368039.1 and 1 more transcripts); c.1818A>T, p.Arg606Ser (NM_001368041.1); short protein forms R681S, R577S, R606S.
Identifiers: ClinVar variation 1355369 (VCV001355369.5), dbSNP rs773705721, ClinGen allele CA6721473.